The following is an entry in ClinVar:

ClinVar aggregate classification (germline): Conflicting classifications of pathogenicity. Review status: criteria provided, conflicting classifications (1 of 4 stars). 5 submissions from 5 submitters: Uncertain significance (3); Likely benign (2). Last evaluated 2026-01-23.

Conditions:
Cardiovascular phenotype. Identifiers: MedGen CN230736.
Hypertrophic cardiomyopathy. Also called: HYPERTROPHIC MYOCARDIOPATHY. Identifiers: Orphanet 217569, MedGen C0007194, MeSH D002312, MONDO:0005045, HP:0001639.
Cardiomyopathy (CMYO). Also called: Cardiomyopathies. Identifiers: Orphanet 167848, MedGen C0878544, MONDO:0004994, HP:0001638. Inheritance: Various modes of inheritance.

Allele frequency attached by ClinVar (database versions not stated): ExAC 0.00002; gnomAD exomes 0.00002 and 0.00004.
gnomAD v4.1: 36 of 1,614,200 alleles (0.0022%); highest among the groups gnomAD compares: South Asian, 0.037%; no homozygotes.

Submissions (5):

Ambry Genetics
Classification: Likely benign for Cardiovascular phenotype. Last evaluated: 2026-01-23. Review status: criteria provided, single submitter. Criteria: Ambry Variant Classification Scheme 2023. Collection method: clinical testing. Allele origin: germline.

Labcorp Genetics (formerly Invitae), Labcorp
Classification: Uncertain significance for Hypertrophic cardiomyopathy. Last evaluated: 2024-04-04. Review status: criteria provided, single submitter. Criteria: Invitae Variant Classification Sherloc (09022015). Collection method: clinical testing. Allele origin: germline.
Comment: This sequence change replaces lysine, which is basic and polar, with glutamic acid, which is acidic and polar, at codon 123 of the MYL3 protein (p.Lys123Glu). This variant is present in population databases (rs536445081, gnomAD 0.03%). This variant has not been reported in the literature in individuals affected with MYL3-related conditions. ClinVar contains an entry for this variant (Variation ID: 924985). An algorithm developed to predict the effect of missense changes on protein structure and function (PolyPhen-2) suggests that this variant¬¨‚Ä†is likely to be tolerated. In summary, the available evidence is currently insufficient to determine the role of this variant in disease. Therefore, it has been classified as a Variant of Uncertain Significance.

Color Diagnostics, LLC DBA Color Health
Classification: Uncertain significance for Cardiomyopathy. Last evaluated: 2024-03-06. Review status: criteria provided, single submitter. Criteria: ACMG Guidelines, 2015. Collection method: clinical testing. Allele origin: germline.
Comment: This missense variant replaces lysine with glutamic acid at codon 123 of the MYL3 protein. Computational prediction is inconclusive regarding the impact of this variant on protein structure and function (internally defined REVEL score threshold 0.5 < inconclusive < 0.7, PMID: 27666373). To our knowledge, functional studies have not been reported for this variant. This variant has not been reported in individuals affected with cardiovascular disorders in the literature. This variant has been identified in 10/251486 chromosomes in the general population by the Genome Aggregation Database (gnomAD). The available evidence is insufficient to determine the role of this variant in disease conclusively. Therefore, this variant is classified as a Variant of Uncertain Significance.

All of Us Research Program, National Institutes of Health
Classification: Uncertain significance for Hypertrophic cardiomyopathy. Last evaluated: 2024-03-05. Review status: criteria provided, single submitter. Criteria: ACMG Guidelines, 2015. Collection method: clinical testing. Allele origin: germline. Inheritance: Autosomal dominant inheritance. Observed: 1 variant allele, 1 heterozygote.
Comment: This missense variant replaces lysine with glutamic acid at codon 123 of the MYL3 protein. Computational prediction is inconclusive regarding the impact of this variant on protein structure and function (internally defined REVEL score threshold 0.5 < inconclusive < 0.7, PMID: 27666373). To our knowledge, functional studies have not been reported for this variant. This variant has not been reported in individuals affected with cardiovascular disorders in the literature. This variant has been identified in 10/251486 chromosomes in the general population by the Genome Aggregation Database (gnomAD). The available evidence is insufficient to determine the role of this variant in disease conclusively. Therefore, this variant is classified as a Variant of Uncertain Significance.

This study involves interpretation of variants in research participants for the purpose of population health screening. Participant phenotype was not available at the time of variant classification. Additional details can be found in publication PMID: 35346344, PMCID: PMC8962531

CHEO Genetics Diagnostic Laboratory, Children's Hospital of Eastern Ontario
Classification: Likely benign for Cardiomyopathy. Last evaluated: 2021-01-22. Review status: criteria provided, single submitter. Criteria: ACMG Guidelines, 2015. Collection method: clinical testing. Allele origin: germline.

Literature cited by the submitters: PubMed 35629155 (cited by Ambry Genetics).

NM_000258.3(MYL3):c.367A>G (p.Lys123Glu)

Gene: MYL3 (myosin light chain 3; minus strand). Cytogenetic location: 3p21.31.
Variant type: single nucleotide variant.
Coding change: c.367A>G on transcript NM_000258.3 (MANE Select); coding-DNA position 367, A replaced by G.
Protein change: p.Lys123Glu; replaces lysine 123 with glutamic acid.
Molecular consequence: missense variant.
Genome position (GRCh38, 1-based): chr3:46,859,589, T>C on the plus strand (A>G on the coding strand, the complement: MYL3 is on the minus strand). VCF-style: chr3-46859589-T-C. GRCh37 (hg19) VCF-style: chr3-46901079-T-C.
Other names: short protein forms K123E.
Identifiers: ClinVar variation 924985 (VCV000924985.11), dbSNP rs536445081, ClinGen allele CA043869.